The following is an entry in ClinVar:

ClinVar aggregate classification (germline): Pathogenic. Review status: criteria provided, multiple submitters, no conflicts (2 of 4 stars). 5 submissions from 5 submitters: Pathogenic (5). Last evaluated 2026-04-16.

Conditions:
KRIT1-related disorder. Also called: KRIT1-related disorders; KRIT1-related condition.
Cerebral cavernous malformation (CCM). Also called: Cerebral cavernous malformations; Cavernous Hemangioma of Brain; CAVERNOUS ANGIOMA, FAMILIAL; CAVERNOUS ANGIOMATOUS MALFORMATIONS; CEREBRAL CAPILLARY MALFORMATIONS; Cerebral cavernous hemangioma (type). Identifiers: Orphanet 221061, MedGen C2919945, MONDO:0000820, OMIM 116860, HP:0033522.

Allele frequency attached by ClinVar (database versions not stated): ExAC 0.00001.
gnomAD v4.1: 4 of 1,612,968 alleles (0.00025%); highest among the groups gnomAD compares: Admixed American, 0.0017%; no homozygotes.

Submissions (5):

PreventionGenetics, part of Exact Sciences
Classification: Pathogenic for KRIT1-related condition. Last evaluated: 2026-04-16. Review status: criteria provided, single submitter. Criteria: ACMG Guidelines, 2015. Collection method: clinical testing. Allele origin: germline.
Comment: The KRIT1 c.880C>T variant is predicted to result in premature protein termination (p.Arg294*). This variant has been reported in individuals with cerebral cavernous malformations (Riant et al. 2013. PubMed ID: 23595507; Fusco et al. 2019. PubMed ID: 31254430). This variant is reported in 0.0029% of alleles in individuals of Latino descent in gnomAD. Nonsense variants in KRIT1 are expected to be pathogenic. This variant is interpreted as pathogenic.

Labcorp Genetics (formerly Invitae), Labcorp
Classification: Pathogenic for Cerebral cavernous malformation. Last evaluated: 2025-11-10. Review status: criteria provided, single submitter. Criteria: Invitae Variant Classification Sherloc (09022015). Collection method: clinical testing. Allele origin: germline.
Comment: This sequence change creates a premature translational stop signal (p.Arg294*) in the KRIT1 gene. It is expected to result in an absent or disrupted protein product. Loss-of-function variants in KRIT1 are known to be pathogenic (PMID: 10508515, 11222804, 12404106, 24689081). This variant is present in population databases (rs764960797, gnomAD 0.003%). This premature translational stop signal has been observed in individual(s) with cerebral cavernous malformations (PMID: 23595507, 31254430). ClinVar contains an entry for this variant (Variation ID: 590759). Algorithms developed to predict the effect of sequence changes on RNA splicing suggest that this variant may disrupt the consensus splice site. For these reasons, this variant has been classified as Pathogenic.

Institute of Medical Genetics and Applied Genomics, University Hospital Tübingen
Classification: Pathogenic for Cerebral cavernous malformation. Last evaluated: 2024-10-15. Review status: criteria provided, single submitter. Criteria: ACMG Guidelines, 2015. Collection method: clinical testing. Allele origin: germline. Inheritance: Autosomal dominant inheritance. Affected: yes.

GeneDx
Classification: Pathogenic. Last evaluated: 2022-12-16. Review status: criteria provided, single submitter. Criteria: GeneDx Variant Classification Process June 2021. Collection method: clinical testing. Allele origin: germline. Affected: yes.
Comment: Nonsense variant predicted to result in protein truncation or nonsense mediated decay in a gene for which loss-of-function is a known mechanism of disease; Not observed at a significant frequency in large population cohorts (gnomAD); This variant is associated with the following publications: (PMID: 30161288, 31254430, 34426522, 31589614, 24466005, 23595507)

Blueprint Genetics
Classification: Pathogenic for KRIT1-related disorders. Last evaluated: 2020-12-21. Review status: criteria provided, single submitter. Criteria: ACMG Guidelines, 2015. Collection method: clinical testing. Allele origin: germline. Affected: yes. Observed: 2 variant alleles.

Literature cited by the submitters: PubMed 10508515 (cited by Labcorp Genetics (formerly Invitae), Labcorp); PubMed 11222804 (cited by Labcorp Genetics (formerly Invitae), Labcorp); PubMed 12404106 (cited by Labcorp Genetics (formerly Invitae), Labcorp); PubMed 24689081 (cited by Labcorp Genetics (formerly Invitae), Labcorp); PubMed 23595507 (cited by Labcorp Genetics (formerly Invitae), Labcorp); PubMed 31254430 (cited by Labcorp Genetics (formerly Invitae), Labcorp).

NM_194454.3(KRIT1):c.880C>T (p.Arg294Ter)

Gene: KRIT1 (KRIT1 ankyrin repeat containing; minus strand). Cytogenetic location: 7q21.2.
Variant type: single nucleotide variant.
Coding change: c.880C>T on transcript NM_194454.3 (MANE Select); coding-DNA position 880, C replaced by T.
Protein change: p.Arg294Ter; replaces arginine 294 with a stop codon.
Molecular consequence: nonsense. On other transcripts: intron variant (3).
Genome position (GRCh38, 1-based): chr7:92,234,558, G>A on the plus strand (C>T on the coding strand, the complement: KRIT1 is on the minus strand). VCF-style: chr7-92234558-G-A. GRCh37 (hg19) VCF-style: chr7-91863872-G-A.
Other names: c.880C>T, p.Arg294Ter (NM_001350691.1, NM_001350692.1, NM_001350693.1 and 26 more transcripts); c.166C>T, p.Arg56Ter (NM_001350671.1); c.845+250C>T (NM_001350669.1, NM_001013406.2, NM_001350670.1); short protein forms R294*, R56*.
Identifiers: ClinVar variation 590759 (VCV000590759.11), dbSNP rs764960797, ClinGen allele CA4339271.